The following is an entry in ClinVar:

NM_000719.7(CACNA1C):c.2968G>C (p.Ala990Pro)

Gene: CACNA1C (calcium voltage-gated channel subunit alpha1 C; plus strand). Cytogenetic location: 12p13.33.
Variant type: single nucleotide variant.
Coding change: c.2968G>C on transcript NM_000719.7 (MANE Select); coding-DNA position 2968, G replaced by C.
Protein change: p.Ala990Pro; replaces alanine 990 with proline.
Molecular consequence: missense variant.
Genome position (GRCh38, 1-based): chr12:2,605,088, G>C. VCF-style: chr12-2605088-G-C. GRCh37 (hg19) VCF-style: chr12-2714254-G-C.
Other names: c.3028G>C, p.Ala1010Pro (NM_001129827.2, NM_001129832.2, NM_199460.4); c.2968G>C, p.Ala990Pro (NM_001129829.2, NM_001129830.3, NM_001129831.2 and 15 more transcripts); c.2959G>C, p.Ala987Pro (NM_001129844.2); short protein forms A1010P, A987P, A990P.
Identifiers: ClinVar variation 2586955 (VCV002586955.2), dbSNP rs2518042730, ClinGen allele CA383373538.

ClinVar aggregate classification (germline): Uncertain significance (1 of 4 stars; one submission).

Conditions:
Cardiovascular phenotype. Identifiers: MedGen CN230736.

Submission:

Ambry Genetics
Classification: Uncertain significance for Cardiovascular phenotype. Last evaluated: 2023-07-24. Review status: criteria provided, single submitter. Criteria: Ambry Variant Classification Scheme 2023. Collection method: clinical testing. Allele origin: germline.
Comment: The p.A990P variant (also known as c.2968G>C), located in coding exon 23 of the CACNA1C gene, results from a G to C substitution at nucleotide position 2968. The alanine at codon 990 is replaced by proline, an amino acid with highly similar properties. This amino acid position is highly conserved in available vertebrate species. In addition, this alteration is predicted to be deleterious by in silico analysis. Since supporting evidence is limited at this time, the clinical significance of this alteration remains unclear.